The following is an entry in ClinVar:

NM_024685.4(BBS10):c.1241T>C (p.Leu414Ser)

Gene: BBS10 (Bardet-Biedl syndrome 10; minus strand). Cytogenetic location: 12q21.2.
Variant type: single nucleotide variant.
Coding change: c.1241T>C on transcript NM_024685.4 (MANE Select); coding-DNA position 1241, T replaced by C.
Protein change: p.Leu414Ser; replaces leucine 414 with serine.
Molecular consequence: missense variant.
Genome position (GRCh38, 1-based): chr12:76,346,744, A>G on the plus strand (T>C on the coding strand, the complement: BBS10 is on the minus strand). VCF-style: chr12-76346744-A-G. GRCh37 (hg19) VCF-style: chr12-76740524-A-G.
Other names: c.1241T>C, p.Leu414Ser (LRG_1255t1); short protein forms L414S.
Identifiers: ClinVar variation 188943 (VCV000188943.24), dbSNP rs786204575, ClinGen allele CA274166.

ClinVar aggregate classification (germline): Pathogenic/Likely pathogenic. Review status: criteria provided, multiple submitters, no conflicts (2 of 4 stars). 8 submissions from 8 submitters: Pathogenic (6); Likely pathogenic (1). 1 of the submissions does not count toward it. Last evaluated 2026-02-10.

Conditions:
BBS10-related disorder. Also called: BBS10-related condition.
Bardet-Biedl syndrome (BBS). Identifiers: Orphanet 110, MedGen C0752166, MONDO:0015229.
Bardet-Biedl syndrome 10 (BBS10). Identifiers: Orphanet 110, MedGen C1859568, MONDO:0014438, OMIM 615987.

Allele frequency attached by ClinVar (database versions not stated): gnomAD exomes below 0.00001 and 0.00001; gnomAD 0.00001 and 0.00002; TOPMed 0.00002.
gnomAD v4.1: 22 of 1,614,052 alleles (0.0014%); highest among the groups gnomAD compares: Non-Finnish European, 0.0018%; no homozygotes.

Submissions (8):

PreventionGenetics, part of Exact Sciences
Classification: Pathogenic for BBS10-related condition. Last evaluated: 2026-02-10. Review status: criteria provided, single submitter. Criteria: ACMG Guidelines, 2015. Collection method: clinical testing. Allele origin: germline.
Comment: The BBS10 c.1241T>C variant is predicted to result in the amino acid substitution p.Leu414Ser. This variant has been reported to be causative for Bardet-Biedl Syndrome (Stoetzel et al. 2006. PubMed ID: 16582908; Billingsley et al. 2010. PubMed ID: 20472660; Deveault et al. 2011. PubMed ID: 21344540). This variant has been shown to impact protein function (Supplementary Table 4, Zaghloul et al. 2010. PubMed ID: 20498079). This variant is reported in 0.00088% of alleles in individuals of European (Non-Finnish) descent in gnomAD. This variant is interpreted as pathogenic.

Natera, Inc.
Classification: Pathogenic for Bardet-Biedl syndrome type 10. Last evaluated: 2025-03-27. Review status: criteria provided, single submitter. Criteria: Natera Variant Classification Schema (03/2026). Collection method: clinical testing. Allele origin: germline.
Comment: The c.1241T>C variant in BBS10 is a missense variant predicted to cause substitution of leucine to serine at amino acid 414. This variant is rare in the general population with a frequency below the threshold expected for the associated phenotype(s). This variant has been observed in one or more individuals affected with the associated recessive disease, as either homozygous or compound heterozygous with a second variant (PMID: 6582908, 26082521, 26082521). Computational prediction algorithms indicate this variant is likely to affect gene or protein function. Given the available evidence, this variant is classified as Pathogenic.

Labcorp Genetics (formerly Invitae), Labcorp
Classification: Pathogenic for Bardet-Biedl syndrome. Last evaluated: 2024-07-06. Review status: criteria provided, single submitter. Criteria: Invitae Variant Classification Sherloc (09022015). Collection method: clinical testing. Allele origin: germline.
Comment: This sequence change replaces leucine, which is neutral and non-polar, with serine, which is neutral and polar, at codon 414 of the BBS10 protein (p.Leu414Ser). The frequency data for this variant in the population databases is considered unreliable, as metrics indicate poor data quality at this position in the gnomAD database. This missense change has been observed in individual(s) with Bardet-Biedl syndrome (PMID: 16582908, 21344540, 22773737, 29261186). ClinVar contains an entry for this variant (Variation ID: 188943). Advanced modeling of protein sequence and biophysical properties (such as structural, functional, and spatial information, amino acid conservation, physicochemical variation, residue mobility, and thermodynamic stability) has been performed at Invitae for this missense variant, however the output from this modeling did not meet the statistical confidence thresholds required to predict the impact of this variant on BBS10 protein function. Experimental studies are conflicting or provide insufficient evidence to determine the effect of this variant on BBS10 function (PMID: 20498079). For these reasons, this variant has been classified as Pathogenic.

Fulgent Genetics
Classification: Pathogenic for Bardet-Biedl syndrome 10. Last evaluated: 2024-05-17. Review status: criteria provided, single submitter. Criteria: ACMG Guidelines, 2015. Collection method: clinical testing. Allele origin: germline.

GeneDx
Classification: Likely pathogenic. Last evaluated: 2024-04-05. Review status: criteria provided, single submitter. Criteria: GeneDx Variant Classification Process June 2021. Collection method: clinical testing. Allele origin: germline. Affected: yes.
Comment: Published functional studies suggest a damaging effect (PMID: 20498079); Not observed at significant frequency in large population cohorts (gnomAD); In silico analysis supports that this missense variant has a deleterious effect on protein structure/function; This variant is associated with the following publications: (PMID: 31589614, 29261186, 16582908, 20472660, 34940782, 35835773, 20876674, 21344540, 20177705, 21517826, 22773737, 22958920, 21157496, 20498079)

Baylor Genetics
Classification: Pathogenic for Bardet-Biedl syndrome 10. Last evaluated: 2024-02-12. Review status: criteria provided, single submitter. Criteria: ACMG Guidelines, 2015. Collection method: clinical testing. Allele origin: unknown.

Blueprint Genetics
Classification: Pathogenic for BBS10-related disorders. Last evaluated: 2023-09-04. Review status: criteria provided, single submitter. Criteria: ACMG Guidelines, 2015. Collection method: clinical testing. Allele origin: germline. Affected: yes. Observed: 4 variant alleles.

Counsyl
Classification: Likely pathogenic for Bardet-Biedl syndrome 10. Last evaluated: 2014-08-27. Review status: no assertion criteria provided. Collection method: literature only. Allele origin: unknown. Inheritance: Autosomal recessive inheritance. Not counted in ClinVar's aggregate classification.

Literature cited by the submitters: PubMed 6582908 (cited by Natera, Inc.); PubMed 26082521 (cited by Natera, Inc.); PubMed 16582908 (cited by Labcorp Genetics (formerly Invitae), Labcorp and Counsyl); PubMed 21344540 (cited by Labcorp Genetics (formerly Invitae), Labcorp and Counsyl); PubMed 22773737 (cited by Labcorp Genetics (formerly Invitae), Labcorp and Counsyl); PubMed 29261186 (cited by Labcorp Genetics (formerly Invitae), Labcorp); PubMed 20498079 (cited by Labcorp Genetics (formerly Invitae), Labcorp); PubMed 20177705 (cited by Counsyl); PubMed 21157496 (cited by Counsyl); PubMed 20472660 (cited by Counsyl); PubMed 22958920 (cited by Counsyl); PubMed 21517826 (cited by Counsyl); PubMed 20876674 (cited by Counsyl).